The following is an entry in ClinVar:

NM_001853.4(COL9A3):c.1680C>T (p.Gly560=)

Gene: COL9A3 (collagen type IX alpha 3 chain; plus strand). Cytogenetic location: 20q13.33.
Variant type: single nucleotide variant.
Coding change: c.1680C>T on transcript NM_001853.4 (MANE Select); coding-DNA position 1680, C replaced by T.
Protein change: p.Gly560=; no amino-acid change (glycine 560 retained).
Molecular consequence: synonymous variant.
Genome position (GRCh38, 1-based): chr20:62,837,159, C>T. VCF-style: chr20-62837159-C-T. GRCh37 (hg19) VCF-style: chr20-61468511-C-T.
Other names: c.1680C>T, p.Gly560= (LRG_1253t1).
Identifiers: ClinVar variation 339302 (VCV000339302.14), dbSNP rs149126795, ClinGen allele CA9950146.

ClinVar aggregate classification (germline): Likely benign. Review status: criteria provided, multiple submitters, no conflicts (2 of 4 stars). 4 submissions from 4 submitters: Likely benign (3). 1 of the submissions does not count toward it. Last evaluated 2025-12-15.

Conditions:
COL9A3-related disorder. Also called: COL9A3-related condition.

Allele frequency attached by ClinVar (database versions not stated): gnomAD 0.00007 and 0.00008; TOPMed 0.00016; ESP Exome Variant Server 0.00031.
gnomAD v4.1: 242 of 1,612,650 alleles (0.015%); highest among the groups gnomAD compares: Non-Finnish European, 0.019%; no homozygotes.

Submissions (4):

Labcorp Genetics (formerly Invitae), Labcorp
Classification: Likely benign. Last evaluated: 2025-12-15. Review status: criteria provided, single submitter. Criteria: Invitae Variant Classification Sherloc (09022015). Collection method: clinical testing. Allele origin: germline.

Blueprint Genetics
Classification: Likely benign. Last evaluated: 2024-03-05. Review status: criteria provided, single submitter. Criteria: ACMG Guidelines, 2015. Collection method: clinical testing. Allele origin: germline.

GeneDx
Classification: Likely benign. Last evaluated: 2020-11-30. Review status: criteria provided, single submitter. Criteria: GeneDx Variant Classification Process June 2021. Collection method: clinical testing. Allele origin: germline. Affected: yes.

PreventionGenetics, part of Exact Sciences
Classification: Likely benign for COL9A3-related condition. Last evaluated: 2023-01-31. Review status: no assertion criteria provided. Collection method: clinical testing. Allele origin: germline. Not counted in ClinVar's aggregate classification.
Comment: This variant is classified as likely benign based on ACMG/AMP sequence variant interpretation guidelines (Richards et al. 2015 PMID: 25741868, with internal and published modifications).